The following is an entry in ClinVar:

NM_000944.5(PPP3CA):c.178G>A (p.Val60Ile)

Gene: PPP3CA (protein phosphatase 3 catalytic subunit alpha; minus strand). Cytogenetic location: 4q24.
Variant type: single nucleotide variant.
Coding change: c.178G>A on transcript NM_000944.5 (MANE Select); coding-DNA position 178, G replaced by A.
Protein change: p.Val60Ile; replaces valine 60 with isoleucine.
Molecular consequence: missense variant.
Genome position (GRCh38, 1-based): chr4:101,195,997, C>T on the plus strand (G>A on the coding strand, the complement: PPP3CA is on the minus strand). VCF-style: chr4-101195997-C-T. GRCh37 (hg19) VCF-style: chr4-102117154-C-T.
Other names: c.178G>A (NM_000944.4); c.178G>A, p.Val60Ile (NM_001130691.2, NM_001130692.2); short protein forms V60I.
Identifiers: ClinVar variation 2851203 (VCV002851203.4), dbSNP rs2476120373, ClinGen allele CA357950885.

ClinVar aggregate classification (germline): Uncertain significance. Review status: criteria provided, multiple submitters, no conflicts (2 of 4 stars). 2 submissions from 2 submitters: Uncertain significance (2). Last evaluated 2024-01-18.

Submissions (2):

GeneDx
Classification: Uncertain significance. Last evaluated: 2024-01-18. Review status: criteria provided, single submitter. Criteria: GeneDx Variant Classification Process June 2021. Collection method: clinical testing. Allele origin: germline. Affected: yes.
Comment: Not observed at significant frequency in large population cohorts (gnomAD); In silico analysis supports that this missense variant does not alter protein structure/function; Has not been previously published as pathogenic or benign to our knowledge

Labcorp Genetics (formerly Invitae), Labcorp
Classification: Uncertain significance. Last evaluated: 2024-01-07. Review status: criteria provided, single submitter. Criteria: Invitae Variant Classification Sherloc (09022015). Collection method: clinical testing. Allele origin: germline.
Comment: This sequence change replaces valine, which is neutral and non-polar, with isoleucine, which is neutral and non-polar, at codon 60 of the PPP3CA protein (p.Val60Ile). This variant is not present in population databases (gnomAD no frequency). This variant has not been reported in the literature in individuals affected with PPP3CA-related conditions. Advanced modeling of protein sequence and biophysical properties (such as structural, functional, and spatial information, amino acid conservation, physicochemical variation, residue mobility, and thermodynamic stability) performed at Invitae indicates that this missense variant is not expected to disrupt PPP3CA protein function with a negative predictive value of 80%. In summary, the available evidence is currently insufficient to determine the role of this variant in disease. Therefore, it has been classified as a Variant of Uncertain Significance.